The following is an entry in ClinVar:

NM_177438.3(DICER1):c.109A>G (p.Ile37Val)

Gene: DICER1 (dicer 1, ribonuclease III; minus strand). Cytogenetic location: 14q32.13.
Variant type: single nucleotide variant.
Coding change: c.109A>G on transcript NM_177438.3 (MANE Select); coding-DNA position 109, A replaced by G.
Protein change: p.Ile37Val; replaces isoleucine 37 with valine.
Molecular consequence: missense variant.
Genome position (GRCh38, 1-based): chr14:95,133,350, T>C on the plus strand (A>G on the coding strand, the complement: DICER1 is on the minus strand). VCF-style: chr14-95133350-T-C. GRCh37 (hg19) VCF-style: chr14-95599687-T-C.
Other names: c.109A>G, p.Ile37Val (NM_001195573.1, NM_001271282.3, NM_001291628.2 and 1 more transcripts); short protein forms I37V.
Identifiers: ClinVar variation 1020141 (VCV001020141.10), dbSNP rs772381832, ClinGen allele CA390890454.
Genomic context (GRCh38, chr14:95,133,350, plus strand): 5'-CCAGTATTAGTGTTCGCATTAGTACCTGATATTTTCTTGGCGTATAAATGTTATCATGAA[T>C]TGCTTCTTGTTGCCATGGCAGTCCAAAGAAAGGACCCATTGGTGAGGAAGCAGGGGTCAT-3'
Protein context (NP_803187.1, residues 27-47): FFGLPWQQEA[Ile37Val]HDNIYTPRKY

ClinVar aggregate classification (germline): Uncertain significance (1 of 4 stars; one submission).

Conditions:
DICER1-related tumor predisposition. Also called: DICER1 syndrome; DICER1-related pleuropulmonary blastoma cancer predisposition syndrome. Identifiers: Orphanet 284343, MedGen C3839822, MONDO:0100216.

gnomAD v4.1: 2 of 1,614,162 alleles (0.00012%); highest among the groups gnomAD compares: South Asian, 0.0011%; no homozygotes.

Submission:

Labcorp Genetics (formerly Invitae), Labcorp
Classification: Uncertain significance for DICER1-related tumor predisposition. Last evaluated: 2021-04-01. Review status: criteria provided, single submitter. Criteria: Invitae Variant Classification Sherloc (09022015). Collection method: clinical testing. Allele origin: germline.
Comment: This variant is not present in population databases (ExAC no frequency). In summary, the available evidence is currently insufficient to determine the role of this variant in disease. Therefore, it has been classified as a Variant of Uncertain Significance. Algorithms developed to predict the effect of missense changes on protein structure and function are either unavailable or do not agree on the potential impact of this missense change (SIFT: "Tolerated"; PolyPhen-2: "Probably Damaging"; Align-GVGD: "Class C0"). This variant has not been reported in the literature in individuals with DICER1-related conditions. This sequence change replaces isoleucine with valine at codon 37 of the DICER1 protein (p.Ile37Val). The isoleucine residue is highly conserved and there is a small physicochemical difference between isoleucine and valine.